The following is an entry in ClinVar:

NM_014975.3(MAST1):c.3263+5G>A

Gene: MAST1 (microtubule associated serine/threonine kinase 1; plus strand). Cytogenetic location: 19p13.13.
Variant type: single nucleotide variant.
Coding change: c.3263+5G>A on transcript NM_014975.3 (MANE Select); 5 bases into the intron after coding-DNA position 3263, G replaced by A.
Molecular consequence: intron variant.
Genome position (GRCh38, 1-based): chr19:12,871,177, G>A. VCF-style: chr19-12871177-G-A. GRCh37 (hg19) VCF-style: chr19-12981991-G-A.
Identifiers: ClinVar variation 2420670 (VCV002420670.6), dbSNP rs1305717721, ClinGen allele CA631849006.

ClinVar aggregate classification (germline): Uncertain significance. Review status: criteria provided, multiple submitters, no conflicts (2 of 4 stars). 2 submissions from 2 submitters: Uncertain significance (2). Last evaluated 2023-07-07.

gnomAD v4.1: 2 of 1,614,012 alleles (0.00012%); highest among the groups gnomAD compares: Admixed American, 0.0033%; no homozygotes.

Submissions (2):

Labcorp Genetics (formerly Invitae), Labcorp
Classification: Uncertain significance. Last evaluated: 2023-07-07. Review status: criteria provided, single submitter. Criteria: Invitae Variant Classification Sherloc (09022015). Collection method: clinical testing. Allele origin: germline.
Comment: In summary, the available evidence is currently insufficient to determine the role of this variant in disease. Therefore, it has been classified as a Variant of Uncertain Significance. Variants that disrupt the consensus splice site are a relatively common cause of aberrant splicing (PMID: 17576681, 9536098). Algorithms developed to predict the effect of sequence changes on RNA splicing suggest that this variant may create or strengthen a splice site. ClinVar contains an entry for this variant (Variation ID: 2420670). This variant has not been reported in the literature in individuals affected with MAST1-related conditions. This variant is present in population databases (no rsID available, gnomAD 0.006%). This sequence change falls in intron 24 of the MAST1 gene. It does not directly change the encoded amino acid sequence of the MAST1 protein. It affects a nucleotide within the consensus splice site.

GeneDx
Classification: Uncertain significance. Last evaluated: 2022-10-19. Review status: criteria provided, single submitter. Criteria: GeneDx Variant Classification Process June 2021. Collection method: clinical testing. Allele origin: germline. Affected: yes.
Comment: Has not been previously published as pathogenic or benign to our knowledge; In silico analysis suggests this variant may impact gene splicing. In the absence of RNA/functional studies, the actual effect of this sequence change is unknown.

Literature cited by the submitters: PubMed 17576681 (cited by Labcorp Genetics (formerly Invitae), Labcorp); PubMed 9536098 (cited by Labcorp Genetics (formerly Invitae), Labcorp).